The following is an entry in ClinVar:

ClinVar aggregate classification (germline): Pathogenic. Review status: criteria provided, multiple submitters, no conflicts (2 of 4 stars). 9 submissions from 9 submitters: Pathogenic (7). 2 of the submissions do not count toward it. Last evaluated 2026-04-14.

Conditions:
Familial intrahepatic cholestasis. Identifiers: Orphanet 284385, MedGen CN296401, MONDO:0017290.
ATP8B1-related disorder. Also called: ATP8B1-related condition; ATP8B1-related disorders.
Progressive familial intrahepatic cholestasis (PFIC). Also called: Progressive family intrahepatic cholestasis; Progressive intrahepatic cholestasis. Identifiers: Orphanet 172, MedGen C0268312, MONDO:0015762.
Inborn genetic diseases. Identifiers: MedGen C0950123, MeSH D030342.
Progressive familial intrahepatic cholestasis type 1. Also called: Severe ATP8B1 Deficiency (Progressive Familial Intrahepatic Cholestasis Type 1 [PFIC1]); Byler's disease; BYLER DISEASE. Identifiers: Orphanet 79306, MedGen C4551898, MONDO:0008892, OMIM 211600.
Benign recurrent intrahepatic cholestasis type 1. Also called: SUMMERSKILL SYNDROME; Mild-to-Moderate ATP8B1 Deficiency (Benign Recurrent Intrahepatic Cholestasis 1 [BRIC1]). Identifiers: Orphanet 65682, Orphanet 99960, MedGen C4551899, MONDO:0009469, OMIM 243300.

Allele frequency attached by ClinVar (database versions not stated): gnomAD 0.00001 and 0.00002; TOPMed 0.00002.
gnomAD v4.1: 6 of 1,613,482 alleles (0.00037%); highest among the groups gnomAD compares: Admixed American, 0.005%; no homozygotes.

Submissions (9):

Genomenon, Inc
Classification: Pathogenic for Familial intrahepatic cholestasis. Last evaluated: 2026-04-14. Review status: criteria provided, single submitter. Criteria: Genomenon Sequence Variant Interpretation Standards - Updated. Collection method: curation. Allele origin: germline. Affected: yes.
Comment: ATP8B1 p.Glu665Ter (c.1993G>T) is a nonsense variant that introduces a premature stop codon at amino acid position 665, creating a truncated protein that is predicted to undergo nonsense-mediated mRNA decay. This variant has been observed in at least one proband with features of ATP8B1-deficiency (PMID:15239083;20232290). It is absent or not present at a significant frequency in gnomAD. In conclusion, we classify ATP8B1 p.Glu665Ter (c.1993G>T) as a pathogenic variant.

PreventionGenetics, part of Exact Sciences
Classification: Pathogenic for ATP8B1-related condition. Last evaluated: 2025-08-19. Review status: criteria provided, single submitter. Criteria: ACMG Guidelines, 2015. Collection method: clinical testing. Allele origin: germline.
Comment: The ATP8B1 c.1993G>T variant is predicted to result in premature protein termination (p.Glu665*). This variant has been reported in the homozygous or compound heterozygous state in at least six families with progressive intrahepatic cholestasis (Klomp et al. 2004. PubMed ID: 15239083; Table S1, van Wessel et al. 2021. PubMed ID: 33666275). This variant is reported in 0.12% of alleles in individuals of Latino descent in gnomAD. Nonsense variants in ATP8B1 are expected to be pathogenic. This variant is interpreted as pathogenic.

Labcorp Genetics (formerly Invitae), Labcorp
Classification: Pathogenic. Last evaluated: 2024-01-17. Review status: criteria provided, single submitter. Criteria: Invitae Variant Classification Sherloc (09022015). Collection method: clinical testing. Allele origin: germline.
Comment: This sequence change creates a premature translational stop signal (p.Glu665*) in the ATP8B1 gene. It is expected to result in an absent or disrupted protein product. Loss-of-function variants in ATP8B1 are known to be pathogenic (PMID: 15239083, 22525741). This variant is present in population databases (no rsID available, gnomAD 0.1%). This premature translational stop signal has been observed in individual(s) with ATP8B1-related conditions (PMID: 15239083, 33666275). ClinVar contains an entry for this variant (Variation ID: 126382). For these reasons, this variant has been classified as Pathogenic.

Baylor Genetics
Classification: Pathogenic for Benign recurrent intrahepatic cholestasis type 1. Last evaluated: 2024-01-04. Review status: criteria provided, single submitter. Criteria: ACMG Guidelines, 2015. Collection method: clinical testing. Allele origin: unknown.

Women's Health and Genetics/Laboratory Corporation of America, LabCorp
Classification: Pathogenic for Progressive familial intrahepatic cholestasis. Last evaluated: 2022-12-21. Review status: criteria provided, single submitter. Criteria: LabCorp Variant Classification Summary - May 2015. Collection method: clinical testing. Allele origin: germline.
Comment: Variant summary: ATP8B1 c.1993G>T (p.Glu665X) results in a premature termination codon, predicted to cause a truncation of the encoded protein or absence of the protein due to nonsense mediated decay, which are commonly known mechanisms for disease. A truncation downstream of this position has been classified as likely pathogenic by our laboratory and others are classified as pathogenic in ClinVar. The variant was absent in 251132 control chromosomes. c.1993G>T has been reported in the literature in multiple homozygous individuals affected with Familial Intrahepatic Cholestasis and at least one compound heterozygous patient with a frameshift variant (Chen_2004, David-Spraul_2010, Klomp_2004, van Wessel_2021). These data indicate that the variant is very likely to be associated with disease. To our knowledge, no experimental evidence demonstrating an impact on protein function has been reported. Three submitters have provided clinical-significance assessments for this variant to ClinVar after 2014 without evidence for independent evaluation. All laboratories classified the variant as pathogenic. Based on the evidence outlined above, the variant was classified as pathogenic.

Eurofins Ntd Llc (ga)
Classification: Pathogenic. Last evaluated: 2016-11-01. Review status: criteria provided, single submitter. Criteria: EGL Classification Definitions 2015. Collection method: clinical testing. Allele origin: germline. Observed: 1 variant allele, 1 heterozygote.

Ambry Genetics
Classification: Pathogenic for Inborn genetic diseases. Last evaluated: 2016-06-08. Review status: criteria provided, single submitter. Criteria: Ambry exome assertion method (8-5-2015). Collection method: clinical testing. Allele origin: germline. Affected: yes. Observed: 2 variant alleles.

GeneReviews
No classification provided. Condition: Progressive familial intrahepatic cholestasis type 1. Review status: no classification provided. Collection method: literature only. Allele origin: germline. Not counted in ClinVar's aggregate classification.
Comment: Variant found in Dominican population

Genomics And Bioinformatics Analysis Resource, Columbia University
Classification: Pathogenic for Progressive familial intrahepatic cholestasis type 1. Review status: no assertion criteria provided. Collection method: research. Allele origin: unknown. Affected: yes. Not counted in ClinVar's aggregate classification.

Literature cited by the submitters: PubMed 15239083 (cited by 5 submitters); PubMed 20232290 (cited by Genomenon, Inc and Women's Health and Genetics/Laboratory Corporation of America, LabCorp); PubMed 22525741 (cited by Labcorp Genetics (formerly Invitae), Labcorp); PubMed 33666275 (cited by Labcorp Genetics (formerly Invitae), Labcorp and Women's Health and Genetics/Laboratory Corporation of America, LabCorp); PubMed 14988830 (cited by Women's Health and Genetics/Laboratory Corporation of America, LabCorp).

NM_001374385.1(ATP8B1):c.1993G>T (p.Glu665Ter)

Gene: ATP8B1 (ATPase phospholipid transporting 8B1; minus strand). Cytogenetic location: 18q21.31.
Variant type: single nucleotide variant.
Coding change: c.1993G>T on transcript NM_001374385.1 (MANE Select); coding-DNA position 1993, G replaced by T.
Protein change: p.Glu665Ter; replaces glutamic acid 665 with a stop codon.
Molecular consequence: nonsense.
Genome position (GRCh38, 1-based): chr18:57,669,422, C>A on the plus strand (G>T on the coding strand, the complement: ATP8B1 is on the minus strand). VCF-style: chr18-57669422-C-A. GRCh37 (hg19) VCF-style: chr18-55336654-C-A.
Other names: c.1843G>T, p.Glu615Ter (NM_001374386.1); c.1993G>T, p.Glu665Ter (NM_005603.6); short protein forms E665*, E615*.
Identifiers: ClinVar variation 126382 (VCV000126382.20), dbSNP rs515726137, ClinGen allele CA345468.